The following is an entry in ClinVar:

NM_021098.3(CACNA1H):c.1532C>T (p.Thr511Ile)

Gene: CACNA1H (calcium voltage-gated channel subunit alpha1 H; plus strand). Cytogenetic location: 16p13.3.
Variant type: single nucleotide variant.
Coding change: c.1532C>T on transcript NM_021098.3 (MANE Select); coding-DNA position 1532, C replaced by T.
Protein change: p.Thr511Ile; replaces threonine 511 with isoleucine.
Molecular consequence: missense variant.
Genome position (GRCh38, 1-based): chr16:1,201,982, C>T. VCF-style: chr16-1201982-C-T. GRCh37 (hg19) VCF-style: chr16-1251982-C-T.
Other names: c.1532C>T, p.Thr511Ile (NM_001005407.2); short protein forms T511I.
Identifiers: ClinVar variation 3762609 (VCV003762609.2).

ClinVar aggregate classification (germline): Uncertain significance (1 of 4 stars; one submission).

Conditions:
Idiopathic generalized epilepsy. Also called: EIG; Generalised epilepsy. Identifiers: MedGen C0270850, MONDO:0005579, OMIM 600669.
Hyperaldosteronism, familial, type IV (HALD4). Also called: FH IV; ALDOSTERONISM, PRIMARY, AND HYPERTENSION. Identifiers: Orphanet 642671, MedGen C4310756, MONDO:0014875, OMIM 617027.

gnomAD v4.1: 3 of 1,541,930 alleles (0.00019%); highest among the groups gnomAD compares: East Asian, 0.0025%; no homozygotes.

Submission:

Labcorp Genetics (formerly Invitae), Labcorp
Classification: Uncertain significance for Idiopathic generalized epilepsy; Hyperaldosteronism, familial, type IV. Last evaluated: 2024-03-10. Review status: criteria provided, single submitter. Criteria: Invitae Variant Classification Sherloc (09022015). Collection method: clinical testing. Allele origin: germline.
Comment: This sequence change replaces threonine, which is neutral and polar, with isoleucine, which is neutral and non-polar, at codon 511 of the CACNA1H protein (p.Thr511Ile). This variant is not present in population databases (gnomAD no frequency). This variant has not been reported in the literature in individuals affected with CACNA1H-related conditions. Advanced modeling of protein sequence and biophysical properties (such as structural, functional, and spatial information, amino acid conservation, physicochemical variation, residue mobility, and thermodynamic stability) performed at Invitae indicates that this missense variant is not expected to disrupt CACNA1H protein function with a negative predictive value of 80%. In summary, the available evidence is currently insufficient to determine the role of this variant in disease. Therefore, it has been classified as a Variant of Uncertain Significance.